The following is an entry in ClinVar:

NM_003482.4(KMT2D):c.15797G>A (p.Arg5266His)

Gene: KMT2D (lysine methyltransferase 2D; minus strand). Cytogenetic location: 12q13.12.
Variant type: single nucleotide variant.
Coding change: c.15797G>A on transcript NM_003482.4 (MANE Select); coding-DNA position 15797, G replaced by A.
Protein change: p.Arg5266His; replaces arginine 5266 with histidine.
Molecular consequence: missense variant.
Genome position (GRCh38, 1-based): chr12:49,024,934, C>T on the plus strand (G>A on the coding strand, the complement: KMT2D is on the minus strand). VCF-style: chr12-49024934-C-T. GRCh37 (hg19) VCF-style: chr12-49418717-C-T.
Other names: short protein forms R5266H.
Identifiers: ClinVar variation 134731 (VCV000134731.46), dbSNP rs201481646, ClinGen allele CA160633.

ClinVar aggregate classification (germline): Conflicting classifications of pathogenicity. Review status: criteria provided, conflicting classifications (1 of 4 stars). 11 submissions from 11 submitters: Uncertain significance (2); Benign (1); Likely benign (5). 3 of the submissions do not count toward it. Last evaluated 2026-07-01.

Conditions:
KMT2D-related disorder. Also called: KMT2D-Related Disorders.
Inborn genetic diseases. Identifiers: MedGen C0950123, MeSH D030342.
Kabuki syndrome. Also called: NIIKAWA-KUROKI SYNDROME; Kabuki make-up syndrome. Identifiers: Orphanet 2322, MedGen C0796004, MONDO:0016512.
Kabuki syndrome 1 (KABUK1). Also called: KMT2D-Related Kabuki Syndrome. Identifiers: Orphanet 2322, MedGen CN030661, MONDO:0007843, OMIM 147920.

Allele frequency attached by ClinVar (database versions not stated): gnomAD exomes 0.00033; TOPMed 0.00046; gnomAD 0.00053 and 0.00054; ESP Exome Variant Server 0.00080; ExAC 0.00053.
gnomAD v4.1: 1,290 of 1,592,798 alleles (0.081%); highest among the groups gnomAD compares: Non-Finnish European, 0.1%; 2 homozygotes.

Submissions (11):

CeGaT Center for Human Genetics Tuebingen
Classification: Likely benign. Last evaluated: 2026-07-01. Review status: criteria provided, single submitter. Criteria: CeGaT Center For Human Genetics Tuebingen Variant Classification Criteria Version 2. Collection method: clinical testing. Allele origin: germline. Affected: yes. Observed: 6 variant alleles.
Comment: KMT2D: BP4, BS1

Labcorp Genetics (formerly Invitae), Labcorp
Classification: Likely benign for Kabuki syndrome. Last evaluated: 2026-01-27. Review status: criteria provided, single submitter. Criteria: Invitae Variant Classification Sherloc (09022015). Collection method: clinical testing. Allele origin: germline.

Blueprint Genetics
Classification: Likely benign. Last evaluated: 2024-11-11. Review status: criteria provided, single submitter. Criteria: ACMG Guidelines, 2015. Collection method: clinical testing. Allele origin: germline.

Ambry Genetics
Classification: Likely benign for Inborn genetic diseases. Last evaluated: 2021-07-27. Review status: criteria provided, single submitter. Criteria: Ambry Variant Classification Scheme 2023. Collection method: clinical testing. Allele origin: germline.

GeneDx
Classification: Benign. Last evaluated: 2019-03-21. Review status: criteria provided, single submitter. Criteria: GeneDx Variant Classification Process June 2021. Collection method: clinical testing. Allele origin: germline. Affected: yes.
Comment: This variant is associated with the following publications: (PMID: 28440294, 30459467)

Mayo Clinic Laboratories, Mayo Clinic
Classification: Uncertain significance for Kabuki syndrome 1. Last evaluated: 2017-03-23. Review status: criteria provided, single submitter. Criteria: ACMG Guidelines, 2015. Collection method: clinical testing. Allele origin: maternal.

Center for Human Genetics, Inc
Classification: Uncertain significance for Kabuki syndrome 1. Last evaluated: 2016-11-01. Review status: criteria provided, single submitter. Criteria: ACMG Guidelines, 2015. Collection method: clinical testing. Allele origin: germline. Affected: yes.

Eurofins Ntd Llc (ga)
Classification: Likely benign. Last evaluated: 2015-10-30. Review status: criteria provided, single submitter. Criteria: EGL Classification Definitions 2015. Collection method: clinical testing. Allele origin: germline. Observed: 8 variant alleles, 8 heterozygotes.

PreventionGenetics, part of Exact Sciences
Classification: Likely benign for KMT2D-related condition. Last evaluated: 2022-02-22. Review status: no assertion criteria provided. Collection method: clinical testing. Allele origin: germline. Not counted in ClinVar's aggregate classification.
Comment: This variant is classified as likely benign based on ACMG/AMP sequence variant interpretation guidelines (Richards et al. 2015 PMID: 25741868, with internal and published modifications).

Autoinflammatory diseases unit, CHU de Montpellier
Classification: Likely pathogenic for Kabuki syndrome 1. Last evaluated: 2013-10-01. Review status: no assertion criteria provided. Collection method: clinical testing. Allele origin: unknown. Affected: yes. Not counted in ClinVar's aggregate classification.

ITMI
No classification provided. Condition: AllHighlyPenetrant. Last evaluated: 2013-09-19. Review status: no classification provided. Collection method: reference population. Allele origin: germline. Not counted in ClinVar's aggregate classification.
Comment: Please see associated publication for description of ethnicities

Literature cited by the submitters: PubMed 24728327 (cited by ITMI).